The following is an entry in ClinVar:

NM_144997.7(FLCN):c.1177-11G>A

Gene: FLCN (folliculin; minus strand). Cytogenetic location: 17p11.2.
Variant type: single nucleotide variant.
Coding change: c.1177-11G>A on transcript NM_144997.7 (MANE Select); 11 bases into the intron before coding-DNA position 1177, G replaced by A.
Molecular consequence: intron variant.
Genome position (GRCh38, 1-based): chr17:17,216,514, C>T on the plus strand (G>A on the coding strand, the complement: FLCN is on the minus strand). VCF-style: chr17-17216514-C-T. GRCh37 (hg19) VCF-style: chr17-17119828-C-T.
Other names: c.1177-11G>A (NM_001353231.2, NM_001353230.2); c.1231-11G>A (NM_001353229.2).
Identifiers: ClinVar variation 1593697 (VCV001593697.9), dbSNP rs2144860631, ClinGen allele CA2573153078.
Genomic context (GRCh38, chr17:17,216,514, plus strand): 5'-TACTGGCTGCTGTATGGGATGATGCGGACGCAGCCCACGGGAAGCATGGTCTGAGGAGGA[C>T]AGCAGGACTCAGACCAAGGACACGAGGAAGCCCTCAGCCCCGGCCATCCATGCTCTACTA-3'

ClinVar aggregate classification (germline): Likely benign. Review status: criteria provided, multiple submitters, no conflicts (2 of 4 stars). 2 submissions from 2 submitters: Likely benign (2). Last evaluated 2025-09-28.

Conditions:
Birt-Hogg-Dube syndrome 1 (BHD1). Also called: FIBROFOLLICULOMAS WITH TRICHODISCOMAS AND ACROCHORDONS. Identifiers: Orphanet 122, MedGen CN375946, MONDO:0800445, OMIM 135150.
Birt-Hogg-Dube syndrome. Also called: Birt Hogg Dubé syndrome. Identifiers: Orphanet 122, MedGen C0346010, MONDO:0800444.

Allele frequency attached by ClinVar (database versions not stated): gnomAD exomes below 0.00001.
gnomAD v4.1: 6 of 1,613,596 alleles (0.00037%); highest among the groups gnomAD compares: Non-Finnish European, 0.00051%; no homozygotes.

Submissions (2):

Labcorp Genetics (formerly Invitae), Labcorp
Classification: Likely benign for Birt-Hogg-Dube syndrome. Last evaluated: 2025-09-28. Review status: criteria provided, single submitter. Criteria: Invitae Variant Classification Sherloc (09022015). Collection method: clinical testing. Allele origin: germline.

Myriad Genetics, Inc.
Classification: Likely benign for Birt-Hogg-Dube syndrome 1. Last evaluated: 2024-10-24. Review status: criteria provided, single submitter. Criteria: Myriad Autosomal Dominant, Autosomal Recessive and X-Linked Classification Criteria (2023). Collection method: clinical testing. Allele origin: unknown.
Comment: This variant is considered likely benign. This variant is intronic and is not expected to impact mRNA splicing.